The following is an entry in ClinVar:

NM_032217.5(ANKRD17):c.3554_3560delinsG (p.Thr1185_Leu1187delinsArg)

Gene: ANKRD17 (ankyrin repeat domain 17; minus strand). Cytogenetic location: 4q13.3.
Variant type: Indel.
Coding change: c.3554_3560delinsG on transcript NM_032217.5 (MANE Select); coding-DNA positions 3554 to 3560, CACCTCT replaced by G.
Protein change: p.Thr1185_Leu1187delinsArg.
Molecular consequence: inframe indel.
Genome position (GRCh38, 1-based): chr4:73,121,692-73,121,698, AGAGGTG replaced by C on the plus strand (CACCTCT replaced by G on the coding strand, the reverse complement: ANKRD17 is on the minus strand). VCF-style: chr4-73121692-AGAGGTG-C. GRCh37 (hg19) VCF-style: chr4-73987409-AGAGGTG-C.
Other names: c.3215_3221delinsG, p.Thr1072_Leu1074delinsArg (NM_001286771.3); c.3551_3557delinsG, p.Thr1184_Leu1186delinsArg (NM_015574.2); c.2801_2807delinsG, p.Thr934_Leu936delinsArg (NM_198889.3).
Identifiers: ClinVar variation 4975007 (VCV004975007.1).

ClinVar aggregate classification (germline): Likely pathogenic (1 of 4 stars; one submission).

Conditions:
Chopra-Amiel-Gordon syndrome (CAGS). Also called: ANKRD17-Related Neurodevelopmental Syndrome. Identifiers: MedGen C5561975, MONDO:0859186, OMIM 619504.

Submission:

Department of Pediatrics, University of Yamanashi
Classification: Likely pathogenic for Chopra-Amiel-Gordon syndrome. Last evaluated: 2026-09-21. Review status: criteria provided, single submitter. Criteria: ACMG Guidelines, 2015. Collection method: research. Allele origin: de novo. Inheritance: Autosomal dominant inheritance. Affected: yes. Observed: 1 variant allele, 1 heterozygote.
Comment: Whole-exome sequencing identified the heterozygous ANKRD17 variant NM_032217.5:c.3554_3560delinsG, p.(Thr1185_Leu1187delinsArg), which occurred de novo. This in-frame variant replaces three amino acids with a single arginine. The variant was absent from the 61KJPN database and gnomAD v4.1.1. AlphaFold2 modeling of ANKRD17 residues 1082–1414 suggested a localized structural alteration around the variant site, with preservation of the overall predicted fold of the modeled region. This finding represents computational evidence rather than experimental confirmation of impaired protein function. Based on the evidence evaluated under the ACMG/AMP framework, we classified the variant as likely pathogenic (PS2, PM2, and PP3).